The following is an entry in ClinVar:

ClinVar aggregate classification (germline): Benign (3 of 4 stars; one submission).

Conditions:
Breast-ovarian cancer, familial, susceptibility to, 2 (BROVCA2). Also called: BRCA2 Hereditary Breast and Ovarian Cancer. Identifiers: Orphanet 145, MedGen C2675520, MONDO:0012933, OMIM 612555. Disease mechanism: loss of function.

Allele frequency attached by ClinVar (database versions not stated): TOPMed 0.31741; gnomAD 0.32132 and 0.32718; 1000 Genomes Project 30x 0.33401; 1000 Genomes Project 0.34145.
gnomAD v4.1: 49,639 of 152,080 alleles (33%); highest among the groups gnomAD compares: East Asian, 50%; 8,339 homozygotes.

Submission:

Evidence-based Network for the Interpretation of Germline Mutant Alleles (ENIGMA)
Classification: Benign for Breast-ovarian cancer, familial 2. Last evaluated: 2015-01-12. Review status: reviewed by expert panel. Criteria: ENIGMA BRCA1/2 Classification Criteria (2015). Collection method: curation. Allele origin: germline.
Comment: Class 1 not pathogenic based on frequency >1% in an outbred sampleset. Frequency 0.4878 (Asian), 0.1951 (African), 0.3285 (European), derived from 1000 genomes (2012-04-30).

NM_000059.4(BRCA2):c.1909+823C>T

Gene: BRCA2 (BRCA2 DNA repair associated; plus strand). Cytogenetic location: 13q13.1.
Variant type: single nucleotide variant.
Coding change: c.1909+823C>T on transcript NM_000059.4 (MANE Select); 823 bases into the intron after coding-DNA position 1909, C replaced by T.
Molecular consequence: intron variant.
Genome position (GRCh38, 1-based): chr13:32,334,210, C>T. VCF-style: chr13-32334210-C-T. GRCh37 (hg19) VCF-style: chr13-32908347-C-T.
Other names: IVS 10+823C>T.
Identifiers: ClinVar variation 209677 (VCV000209677.1), dbSNP rs1963505, ClinGen allele CA276646.